The following is an entry in ClinVar:

ClinVar aggregate classification (germline): Uncertain significance. Review status: criteria provided, multiple submitters, no conflicts (2 of 4 stars). 5 submissions from 5 submitters: Uncertain significance (5). Last evaluated 2026-10-01.

Conditions:
SAMD9L-related disorder. Also called: SAMD9L-related disorders; SAMD9L-related condition.
Ataxia-pancytopenia syndrome (ATXPC). Also called: SAMD9L-Related Syndrome; SAMD9L Ataxia-Pancytopenia Syndrome. Identifiers: Orphanet 2585, MedGen C1327919, MONDO:0008038, OMIM 159550.
Inborn genetic diseases. Identifiers: MedGen C0950123, MeSH D030342.

Allele frequency attached by ClinVar (database versions not stated): gnomAD exomes below 0.00001 and 0.00003; ExAC 0.00001; gnomAD 0.00001.
gnomAD v4.1: 49 of 1,613,756 alleles (0.003%); highest among the groups gnomAD compares: Non-Finnish European, 0.0042%; no homozygotes.

Submissions (5):

St. Jude Molecular Pathology, St. Jude Children's Research Hospital
Classification: Uncertain significance for Ataxia-pancytopenia syndrome. Last evaluated: 2026-10-01. Review status: criteria provided, single submitter. Criteria: St. Jude Assertion Criteria 2020. Collection method: clinical testing. Allele origin: germline.
Comment: The SAMD9L c.3466G>T p.(Ala1156Ser) missense change has a maximum subpopulation frequency of 0.002% in gnomAD v2.1.1. The in silico tool REVEL predic ts a benign effect on protein function, but to our knowledge this prediction has not been confirmed by functional studies. In silico predictions have not been found to correlate with syndromic risk and are not considered supporting evidence of a pathogen ic or benign effect (PMID: 34621053). To our knowledge, this variant has not been reported in individuals with ataxia-pancytopenia syndrome or monosomy 7 myelodysplasia and leukemia syndrome. In summary, the evidence currently available is insufficient to determine the clinical significance of this variant. It has therefore been classified as of uncertain significance.

Ambry Genetics
Classification: Uncertain significance for Inborn genetic diseases. Last evaluated: 2025-01-14. Review status: criteria provided, single submitter. Criteria: Ambry Variant Classification Scheme 2023. Collection method: clinical testing. Allele origin: germline.
Comment: The p.A1156S variant (also known as c.3466G>T), located in coding exon 1 of the SAMD9L gene, results from a G to T substitution at nucleotide position 3466. The alanine at codon 1156 is replaced by serine, an amino acid with similar properties. This amino acid position is conserved. In addition, this alteration is predicted to be tolerated by in silico analysis. Based on the available evidence, the clinical significance of this variant remains unclear.

PreventionGenetics, part of Exact Sciences
Classification: Uncertain significance for SAMD9L-related condition. Last evaluated: 2024-12-02. Review status: criteria provided, single submitter. Criteria: ACMG Guidelines, 2015. Collection method: clinical testing. Allele origin: germline.
Comment: The SAMD9L c.3466G>T variant is predicted to result in the amino acid substitution p.Ala1156Ser. To our knowledge, this variant has not been reported in the literature. This variant is reported in 0.0016% of alleles in individuals of European (Non-Finnish) descent in gnomAD. At this time, the clinical significance of this variant is uncertain due to the absence of conclusive functional and genetic evidence.

Labcorp Genetics (formerly Invitae), Labcorp
Classification: Uncertain significance. Last evaluated: 2024-09-03. Review status: criteria provided, single submitter. Criteria: Invitae Variant Classification Sherloc (09022015). Collection method: clinical testing. Allele origin: germline.
Comment: This sequence change replaces alanine, which is neutral and non-polar, with serine, which is neutral and polar, at codon 1156 of the SAMD9L protein (p.Ala1156Ser). This variant is present in population databases (rs766016905, gnomAD 0.002%). This variant has not been reported in the literature in individuals affected with SAMD9L-related conditions. ClinVar contains an entry for this variant (Variation ID: 1412634). Invitae Evidence Modeling of protein sequence and biophysical properties (such as structural, functional, and spatial information, amino acid conservation, physicochemical variation, residue mobility, and thermodynamic stability) indicates that this missense variant is not expected to disrupt SAMD9L protein function with a negative predictive value of 80%. In summary, the available evidence is currently insufficient to determine the role of this variant in disease. Therefore, it has been classified as a Variant of Uncertain Significance.

GeneDx
Classification: Uncertain significance. Last evaluated: 2024-05-22. Review status: criteria provided, single submitter. Criteria: GeneDx Variant Classification Process June 2021. Collection method: clinical testing. Allele origin: germline. Affected: yes.
Comment: Not observed at significant frequency in large population cohorts (gnomAD); In silico analysis indicates that this missense variant does not alter protein structure/function; Has not been previously published as pathogenic or benign to our knowledge; This variant is associated with the following publications: (PMID: 28545555)

NM_152703.5(SAMD9L):c.3466G>T (p.Ala1156Ser)

Gene: SAMD9L (sterile alpha motif domain containing 9 like; minus strand). Cytogenetic location: 7q21.2.
Variant type: single nucleotide variant.
Coding change: c.3466G>T on transcript NM_152703.5 (MANE Select); coding-DNA position 3466, G replaced by T.
Protein change: p.Ala1156Ser; replaces alanine 1156 with serine.
Molecular consequence: missense variant.
Genome position (GRCh38, 1-based): chr7:93,132,506, C>A on the plus strand (G>T on the coding strand, the complement: SAMD9L is on the minus strand). VCF-style: chr7-93132506-C-A. GRCh37 (hg19) VCF-style: chr7-92761819-C-A.
Other names: c.3466G>T, p.Ala1156Ser (NM_001350084.2, NM_001350085.2, NM_001303496.3 and 5 more transcripts); c.3466G>T (NM_152703.2, NM_152703.3); short protein forms A1156S.
Identifiers: ClinVar variation 1412634 (VCV001412634.9), dbSNP rs766016905, ClinGen allele CA4343448.